The following is an entry in ClinVar:

ClinVar aggregate classification (germline): Likely benign (0 of 4 stars; one submission).

Conditions:
TIAM1-related disorder. Also called: TIAM1-related condition.

gnomAD v4.1: 25 of 1,608,474 alleles (0.0016%); highest among the groups gnomAD compares: African/African-American, 0.024%; no homozygotes.

Submission:

PreventionGenetics, part of Exact Sciences
Classification: Likely benign for TIAM1-related condition. Last evaluated: 2019-11-14. Review status: no assertion criteria provided. Collection method: clinical testing. Allele origin: germline.
Comment: This variant is classified as likely benign based on ACMG/AMP sequence variant interpretation guidelines (Richards et al. 2015 PMID: 25741868, with internal and published modifications).

NM_001353694.2(TIAM1):c.1368A>G (p.Ser456=)

Gene: TIAM1 (TIAM Rac1 associated GEF 1; minus strand). Cytogenetic location: 21q22.11.
Variant type: single nucleotide variant.
Coding change: c.1368A>G on transcript NM_001353694.2 (MANE Select); coding-DNA position 1368, A replaced by G.
Protein change: p.Ser456=; no amino-acid change (serine 456 retained).
Molecular consequence: synonymous variant.
Genome position (GRCh38, 1-based): chr21:31,251,785, T>C on the plus strand (A>G on the coding strand, the complement: TIAM1 is on the minus strand). VCF-style: chr21-31251785-T-C. GRCh37 (hg19) VCF-style: chr21-32624101-T-C.
Other names: c.1368A>G, p.Ser456= (NM_001353686.2, NM_001353687.2, NM_001353688.1 and 6 more transcripts).
Identifiers: ClinVar variation 3353923 (VCV003353923.1).